The following is an entry in ClinVar:

ClinVar aggregate classification (germline): Pathogenic. Review status: criteria provided, multiple submitters, no conflicts (2 of 4 stars). 6 submissions from 6 submitters: Pathogenic (6). Last evaluated 2025-02-07.

Conditions:
Hereditary cancer-predisposing syndrome. Also called: Hereditary Cancer Syndrome; Neoplastic Syndromes, Hereditary; Hereditary neoplastic syndrome; Tumor predisposition. Identifiers: Orphanet 140162, MedGen C0027672, MeSH D009386, MONDO:0015356.
Breast-ovarian cancer, familial, susceptibility to, 1 (BROVCA1). Also called: BRCA1 Hereditary Breast and Ovarian Cancer; OVARIAN CANCER, SUSCEPTIBILITY TO. Identifiers: Orphanet 145, MedGen C2676676, MONDO:0011450, OMIM 604370. Disease mechanism: loss of function.
Fanconi anemia, complementation group S (FANCS). Identifiers: MedGen C4554406, MONDO:0054748, OMIM 617883.
Familial cancer of breast. Also called: BREAST CANCER, FAMILIAL; hereditary breast carcinoma; Hereditary breast cancer. Identifiers: Orphanet 227535, MedGen C0346153, MONDO:0016419, OMIM 114480. Disease mechanism: loss of function.
Hereditary breast ovarian cancer syndrome. Also called: Hereditary breast and ovarian cancer syndrome (HBOC); Breast and ovarian cancer; Hereditary breast and ovarian cancer syndrome; Hereditary breast and ovarian cancer; BRCA1- and BRCA2-Associated Hereditary Breast and Ovarian Cancer; Hereditary breast and/or ovarian cancer syndrome. Identifiers: Orphanet 145, MedGen C0677776, MeSH D061325, MONDO:0003582. Disease mechanism: loss of function.

Allele frequency attached by ClinVar (database versions not stated): TOPMed below 0.00001.

Submissions (7):

Ambry Genetics
Classification: Pathogenic for Hereditary cancer-predisposing syndrome. Last evaluated: 2025-02-07. Review status: criteria provided, single submitter. Criteria: Ambry Variant Classification Scheme 2023. Collection method: clinical testing. Allele origin: germline.
Comment: The c.5332+1G>T intronic pathogenic mutation results from a G to T substitution one nucleotide after coding exon 19 of the BRCA1 gene. This nucleotide position is highly conserved in available vertebrate species. One functional study found that this nucleotide substitution is non-functional in a high throughput genome editing haploid cell survival assay (Findlay GM et al. Nature, 2018 Oct;562:217-222). In silico splice site analysis predicts that this alteration will weaken the native splice donor site; however, direct evidence is insufficient at this time (Ambry internal data). This variant is considered to be rare based on population cohorts in the Genome Aggregation Database (gnomAD). Alterations that disrupt the canonical splice site are expected to cause aberrant splicing, resulting in an abnormal protein or a transcript that is subject to nonsense-mediated mRNA decay. Based on the supporting evidence, this alteration is interpreted as a disease-causing mutation.

Baylor Genetics
Classification: Pathogenic for Breast-ovarian cancer, familial, susceptibility to, 1. Last evaluated: 2024-02-23. Review status: criteria provided, single submitter. Criteria: ACMG Guidelines, 2015. Collection method: clinical testing. Allele origin: unknown.

Department of Pathology and Laboratory Medicine, Sinai Health System
Classification: Pathogenic for Familial cancer of breast; Breast-ovarian cancer, familial, susceptibility to, 1; Fanconi anemia, complementation group S. Last evaluated: 2023-12-06. Review status: criteria provided, single submitter. Criteria: ACMG Guidelines, 2015. Collection method: clinical testing. Allele origin: germline. Affected: yes.

Labcorp Genetics (formerly Invitae), Labcorp
Classification: Pathogenic for Hereditary breast ovarian cancer syndrome. Last evaluated: 2022-02-23. Review status: criteria provided, single submitter. Criteria: Invitae Variant Classification Sherloc (09022015). Collection method: clinical testing. Allele origin: germline.
Comment: ClinVar contains an entry for this variant (Variation ID: 267597). Disruption of this splice site has been observed in individual(s) with breast and/or ovarian cancer (PMID: 11084537, 19629752, 27083178). This variant is not present in population databases (gnomAD no frequency). This sequence change affects a donor splice site in intron 20 of the BRCA1 gene. RNA analysis indicates that disruption of this splice site induces altered splicing and may result in an absent or disrupted protein product. Studies have shown that disruption of this splice site results in skipping of exon 20 (also known as exon 21) and introduces a premature termination codon (PMID: 23451180, 24667779; Invitae). The resulting mRNA is expected to undergo nonsense-mediated decay. For these reasons, this variant has been classified as Pathogenic.

Color Diagnostics, LLC DBA Color Health
Classification: Pathogenic for Hereditary cancer-predisposing syndrome. Last evaluated: 2021-10-18. Review status: criteria provided, single submitter. Criteria: ACMG Guidelines, 2015. Collection method: clinical testing. Allele origin: germline.
Comment: This variant causes a G to T nucleotide substitution at the +1 position of intron 20 of the BRCA1 gene. Splice site prediction tools predict that this variant may have a significant impact on RNA splicing. A different mutation at this position, c.5332+1G>A, has been shown to cause the out-of-frame skipping of exon 20, resulting in a premature truncation and expected absent or non-functional protein product (PMID: 23451180, 24667779). A functional study has reported that this variant impacts BRCA1 function in a haploid cell proliferation assay (PMID: 30209399). This variant has been detected in at least two individuals affected with breast cancer (PMID: 27083178; Color internal data). This variant has not been identified in the general population by the Genome Aggregation Database (gnomAD). Loss of BRCA1 function is a known mechanism of disease. Based on the available evidence, this variant is classified as Pathogenic.

Consortium of Investigators of Modifiers of BRCA1/2 (CIMBA), c/o University of Cambridge
Classification: Pathogenic for Breast-ovarian cancer, familial, susceptibility to, 1. Last evaluated: 2015-10-02. Review status: criteria provided, single submitter. Criteria: CIMBA Mutation Classification guidelines May 2016. Collection method: clinical testing. Allele origin: germline.

Brotman Baty Institute, University of Washington
No classification provided (evidence only). Condition: Breast-ovarian cancer, familial 1. Review status: no classification provided. Collection method: in vitro. Allele origin: not applicable. Functional consequence: functionally_abnormal. Not counted in ClinVar's aggregate classification.
ClinVar note: "not provided" was previously submitted as the classification for the variant. However, the classification appeared to be based only on an observation of functional data so it was converted to no classification on 2025-07-30.

Literature cited by the submitters: PubMed 30209399 (cited by Ambry Genetics and Color Diagnostics, LLC DBA Color Health); PubMed 11084537 (cited by Department of Pathology and Laboratory Medicine, Sinai Health System and Labcorp Genetics (formerly Invitae), Labcorp); PubMed 27083178 (cited by 3 submitters); PubMed 19629752 (cited by Department of Pathology and Laboratory Medicine, Sinai Health System and Labcorp Genetics (formerly Invitae), Labcorp); PubMed 24667779 (cited by 3 submitters); PubMed 23451180 (cited by Labcorp Genetics (formerly Invitae), Labcorp and Color Diagnostics, LLC DBA Color Health).

NM_007294.4(BRCA1):c.5332+1G>T

Gene: BRCA1 (BRCA1 DNA repair associated; minus strand). Cytogenetic location: 17q21.31.
Variant type: single nucleotide variant.
Coding change: c.5332+1G>T on transcript NM_007294.4 (MANE Select); the canonical splice donor site of the intron after coding-DNA position 5332, G replaced by T.
Molecular consequence: splice donor variant. On other transcripts: intron variant (2).
Genome position (GRCh38, 1-based): chr17:43,051,062, C>A on the plus strand (G>T on the coding strand, the complement: BRCA1 is on the minus strand). VCF-style: chr17-43051062-C-A. GRCh37 (hg19) VCF-style: chr17-41203079-C-A.
Other names: c.5329+1G>T (NM_001407614.1, NM_001407626.1, NM_001407617.1 and 17 more transcripts); c.5395+1G>T (NM_001407587.1, NM_007300.4, NM_001407585.1 and 1 more transcripts); c.1783+1G>T (NM_001408494.1); c.1897+1G>T (NM_001408444.1, NM_001408438.1, NM_001408432.1 and 10 more transcripts); c.1900+1G>T (NM_001408430.1, NM_001408431.1, NM_001408425.1 and 4 more transcripts); c.5203+1G>T (NM_001407682.1, NM_001407689.1, NM_001407681.1 and 6 more transcripts); c.5206+1G>T (NM_001407676.1, NM_001407679.1, NM_001407670.1 and 10 more transcripts); c.5128+1G>T (NM_001407863.1); and 74 more.
Identifiers: ClinVar variation 267597 (VCV000267597.19), dbSNP rs80358041, ClinGen allele CA10590891.